The following is an entry in ClinVar:

NM_017636.4(TRPM4):c.290C>T (p.Thr97Met)

Gene: TRPM4 (transient receptor potential cation channel subfamily M member 4; plus strand). Cytogenetic location: 19q13.33.
Variant type: single nucleotide variant.
Coding change: c.290C>T on transcript NM_017636.4 (MANE Select); coding-DNA position 290, C replaced by T.
Protein change: p.Thr97Met; replaces threonine 97 with methionine.
Molecular consequence: missense variant. On other transcripts: intron variant (4).
Genome position (GRCh38, 1-based): chr19:49,167,939, C>T. VCF-style: chr19-49167939-C-T. GRCh37 (hg19) VCF-style: chr19-49671196-C-T.
Other names: c.290C>T, p.Thr97Met (NM_001195227.2); c.-1105-321C>T (NM_001321282.2); c.268-614C>T (NM_001321281.2); c.-74-321C>T (NM_001321283.2); c.-237-614C>T (NM_001321285.2); c.290C>T (NM_017636.3); short protein forms T97M.
Identifiers: ClinVar variation 1018452 (VCV001018452.8), dbSNP rs570570457, ClinGen allele CA9568777.

ClinVar aggregate classification (germline): Uncertain significance. Review status: criteria provided, multiple submitters, no conflicts (2 of 4 stars). 2 submissions from 2 submitters: Uncertain significance (2). Last evaluated 2026-01-12.

Conditions:
Progressive familial heart block type IB (PFHB1B). Identifiers: Orphanet 871, MedGen C1970298, MONDO:0011474, OMIM 604559.
Cardiovascular phenotype. Identifiers: MedGen CN230736.

Allele frequency attached by ClinVar (database versions not stated): gnomAD 0.00001 and 0.00002; gnomAD exomes 0.00005; TOPMed 0.00005; ExAC 0.00010.
gnomAD v4.1: 67 of 1,613,946 alleles (0.0042%); highest among the groups gnomAD compares: South Asian, 0.045%; 1 homozygote.

Submissions (2):

Labcorp Genetics (formerly Invitae), Labcorp
Classification: Uncertain significance for Progressive familial heart block type IB. Last evaluated: 2026-01-12. Review status: criteria provided, single submitter. Criteria: Invitae Variant Classification Sherloc (09022015). Collection method: clinical testing. Allele origin: germline.
Comment: This sequence change replaces threonine, which is neutral and polar, with methionine, which is neutral and non-polar, at codon 97 of the TRPM4 protein (p.Thr97Met). This variant is present in population databases (rs570570457, gnomAD 0.03%). This variant has not been reported in the literature in individuals affected with TRPM4-related conditions. ClinVar contains an entry for this variant (Variation ID: 1018452). An algorithm developed to predict the effect of missense changes on protein structure and function (PolyPhen-2) suggests that this variant is likely to be disruptive. In summary, the available evidence is currently insufficient to determine the role of this variant in disease. Therefore, it has been classified as a Variant of Uncertain Significance.

Ambry Genetics
Classification: Uncertain significance for Cardiovascular phenotype. Last evaluated: 2023-02-15. Review status: criteria provided, single submitter. Criteria: Ambry Variant Classification Scheme 2023. Collection method: clinical testing. Allele origin: germline.
Comment: The p.T97M variant (also known as c.290C>T), located in coding exon 4 of the TRPM4 gene, results from a C to T substitution at nucleotide position 290. The threonine at codon 97 is replaced by methionine, an amino acid with similar properties. This variant co-occurred with variants in other cardiac-related genes in a sudden death case reported to have arrhythmogenic right ventricular cardiomyopathy (Hertz CL et al. Int J Legal Med, 2016 Jan;130:91-102). This variant has also been detected in a self-reported healthy cohort; however, details were limited (Bajaj A et al. Hum Genomics, 2022 Aug;16:30). This amino acid position is well conserved in available vertebrate species. In addition, this alteration is predicted to be tolerated by in silico analysis. Since supporting evidence is limited at this time, the clinical significance of this alteration remains unclear.

Literature cited by the submitters: PubMed 26383259 (cited by Ambry Genetics); PubMed 35932045 (cited by Ambry Genetics).